The following is an entry in ClinVar:

ClinVar aggregate classification (germline): Uncertain significance (1 of 4 stars; one submission).

Allele frequency attached by ClinVar (database versions not stated): TOPMed below 0.00001.

Submission:

Labcorp Genetics (formerly Invitae), Labcorp
Classification: Uncertain significance. Last evaluated: 2021-12-02. Review status: criteria provided, single submitter. Criteria: Invitae Variant Classification Sherloc (09022015). Collection method: clinical testing. Allele origin: germline.
Comment: Algorithms developed to predict the effect of missense changes on protein structure and function (SIFT, PolyPhen-2, Align-GVGD) all suggest that this variant is likely to be disruptive. In summary, the available evidence is currently insufficient to determine the role of this variant in disease. Therefore, it has been classified as a Variant of Uncertain Significance. Algorithms developed to predict the effect of sequence changes on RNA splicing suggest that this variant may create or strengthen a splice site. This variant has not been reported in the literature in individuals affected with DLL4-related conditions. This variant is not present in population databases (gnomAD no frequency). This sequence change replaces glycine, which is neutral and non-polar, with arginine, which is basic and polar, at codon 431 of the DLL4 protein (p.Gly431Arg).

NM_019074.4(DLL4):c.1291G>A (p.Gly431Arg)

Gene: DLL4 (delta like canonical Notch ligand 4; plus strand). Cytogenetic location: 15q15.1.
Variant type: single nucleotide variant.
Coding change: c.1291G>A on transcript NM_019074.4 (MANE Select); coding-DNA position 1291, G replaced by A.
Protein change: p.Gly431Arg; replaces glycine 431 with arginine.
Molecular consequence: missense variant.
Genome position (GRCh38, 1-based): chr15:40,936,278, G>A. VCF-style: chr15-40936278-G-A. GRCh37 (hg19) VCF-style: chr15-41228476-G-A.
Other names: short protein forms G431R.
Identifiers: ClinVar variation 1372732 (VCV001372732.6), dbSNP rs1892843062, ClinGen allele CA391780266.
Genomic context (GRCh38, chr15:40,936,278, plus strand): 5'-GTCCTCACAGGGGGACAGTGCCTGAACCGAGGTCCAAGCCGCATGTGCCGCTGCCGTCCT[G>A]GATTCACGGGCACCTACTGTGAACTCCACGTCAGCGACTGTGCCCGTAACCCTTGCGCCC-3'
Protein context (NP_061947.1, residues 421-441): GPSRMCRCRP[Gly431Arg]FTGTYCELHV